The following is an entry in ClinVar:

ClinVar aggregate classification (germline): Likely benign (1 of 4 stars; one submission).

Allele frequency attached by ClinVar (database versions not stated): gnomAD exomes below 0.00001.
gnomAD v4.1: 1 of 1,551,480 alleles (0.000064%); highest among the groups gnomAD compares: Non-Finnish European, 0.000087%; no homozygotes.

Submission:

CeGaT Center for Human Genetics Tuebingen
Classification: Likely benign. Last evaluated: 2022-03-01. Review status: criteria provided, single submitter. Criteria: CeGaT Center For Human Genetics Tuebingen Variant Classification Criteria Version 2. Collection method: clinical testing. Allele origin: germline. Affected: yes. Observed: 1 variant allele.
Comment: SETD1B: PM2:Supporting, BP4, BP7

NM_001353345.2(SETD1B):c.5853G>A (p.Lys1951=)

Gene: SETD1B (SET domain containing 1B, histone lysine methyltransferase; plus strand). Cytogenetic location: 12q24.31.
Variant type: single nucleotide variant.
Coding change: c.5853G>A on transcript NM_001353345.2 (MANE Select); coding-DNA position 5853, G replaced by A.
Protein change: p.Lys1951=; no amino-acid change (lysine 1951 retained).
Molecular consequence: synonymous variant.
Genome position (GRCh38, 1-based): chr12:121,830,191, G>A. VCF-style: chr12-121830191-G-A. GRCh37 (hg19) VCF-style: chr12-122268097-G-A.
Identifiers: ClinVar variation 2643487 (VCV002643487.24), dbSNP rs2500260770, ClinGen allele CA482192105.